The following is an entry in ClinVar:

ClinVar aggregate classification (germline): Likely benign (1 of 4 stars; one submission).

Allele frequency attached by ClinVar (database versions not stated): 1000 Genomes Project 0.00359; 1000 Genomes Project 30x 0.00359; TOPMed 0.00548; ESP Exome Variant Server 0.00585; ExAC 0.00596; gnomAD 0.00599; gnomAD exomes 0.00729.

Submission:

CeGaT Center for Human Genetics Tuebingen
Classification: Likely benign. Last evaluated: 2023-02-01. Review status: criteria provided, single submitter. Criteria: CeGaT Center For Human Genetics Tuebingen Variant Classification Criteria Version 2. Collection method: clinical testing. Allele origin: germline. Affected: yes. Observed: 3 variant alleles.
Comment: DNAH3: BP4, BS2

NM_001347886.2(DNAH3):c.2586G>C (p.Arg862Ser)

Gene: DNAH3 (dynein axonemal heavy chain 3; minus strand). Cytogenetic location: 16p12.3.
Variant type: single nucleotide variant.
Coding change: c.2586G>C on transcript NM_001347886.2 (MANE Select); coding-DNA position 2586, G replaced by C.
Protein change: p.Arg862Ser; replaces arginine 862 with serine.
Molecular consequence: missense variant.
Genome position (GRCh38, 1-based): chr16:21,087,002, C>G on the plus strand (G>C on the coding strand, the complement: DNAH3 is on the minus strand). VCF-style: chr16-21087002-C-G. GRCh37 (hg19) VCF-style: chr16-21098323-C-G.
Other names: c.2724G>C, p.Arg908Ser (NM_017539.2); short protein forms R862S, R908S.
Identifiers: ClinVar variation 2646301 (VCV002646301.24), dbSNP rs117470111, ClinGen allele CA7948332.